The following is an entry in ClinVar:

NM_172364.5(CACNA2D4):c.-2T>C

Gene: CACNA2D4 (calcium voltage-gated channel auxiliary subunit alpha2delta 4; minus strand). Cytogenetic location: 12p13.33.
Variant type: single nucleotide variant.
Coding change: c.-2T>C on transcript NM_172364.5 (MANE Select); 2 bases upstream of the start codon, T replaced by C.
Molecular consequence: 5 prime UTR variant.
Genome position (GRCh38, 1-based): chr12:1,918,475, A>G on the plus strand (T>C on the coding strand, the complement: CACNA2D4 is on the minus strand). VCF-style: chr12-1918475-A-G. GRCh37 (hg19) VCF-style: chr12-2027641-A-G.
Identifiers: ClinVar variation 3047918 (VCV003047918.2), dbSNP rs375018727, ClinGen allele CA6387698.

ClinVar aggregate classification (germline): Likely benign (0 of 4 stars; one submission).

Conditions:
CACNA2D4-related disorder. Also called: CACNA2D4-related condition.

Allele frequency attached by ClinVar (database versions not stated): gnomAD exomes 0.00006; ExAC 0.00031; ESP Exome Variant Server 0.00049; gnomAD 0.00057; 1000 Genomes Project 0.00060; TOPMed 0.00067; 1000 Genomes Project 30x 0.00078.

Submission:

PreventionGenetics, part of Exact Sciences
Classification: Likely benign for CACNA2D4-related condition. Last evaluated: 2021-06-07. Review status: no assertion criteria provided. Collection method: clinical testing. Allele origin: germline.
Comment: This variant is classified as likely benign based on ACMG/AMP sequence variant interpretation guidelines (Richards et al. 2015 PMID: 25741868, with internal and published modifications).